The following is an entry in ClinVar:

NM_000112.4(SLC26A2):c.1639C>T (p.Gln547Ter)

Gene: SLC26A2 (solute carrier family 26 member 2; plus strand). Cytogenetic location: 5q32.
Variant type: single nucleotide variant.
Coding change: c.1639C>T on transcript NM_000112.4 (MANE Select); coding-DNA position 1639, C replaced by T.
Protein change: p.Gln547Ter; replaces glutamine 547 with a stop codon.
Molecular consequence: nonsense.
Genome position (GRCh38, 1-based): chr5:149,981,232, C>T. VCF-style: chr5-149981232-C-T. GRCh37 (hg19) VCF-style: chr5-149360795-C-T.
Other names: c.1639C>T (NM_000112.3); short protein forms Q547*.
Identifiers: ClinVar variation 1458581 (VCV001458581.11), dbSNP rs775143472, ClinGen allele CA3505471.
Genomic context (GRCh38, chr5:149,981,232, plus strand): 5'-ACTGAAATAGGCCTACTTGTTGGGGTTTGTTTTTCTATATTTTGTGTCATCCTCCGCACT[C>T]AGAAGCCAAAGAGTTCACTGCTTGGCTTGGTGGAAGAGTCTGAGGTCTTTGAATCTGTGT-3'

ClinVar aggregate classification (germline): Pathogenic/Likely pathogenic. Review status: criteria provided, multiple submitters, no conflicts (2 of 4 stars). 4 submissions from 4 submitters: Pathogenic (1); Likely pathogenic (3). Last evaluated 2025-12-26.

Conditions:
Achondrogenesis, type IB (ACG1B). Also called: Achondrogenesis Type 1B. Identifiers: Orphanet 932, Orphanet 93298, MedGen C0265274, MONDO:0010966, OMIM 600972.
Diastrophic dysplasia (DTD). Also called: Diastrophic dwarfism. Identifiers: Orphanet 628, MedGen C0220726, MONDO:0009107, OMIM 222600.
Multiple epiphyseal dysplasia type 4 (EDM4). Also called: SLC26A2-Related Multiple Epiphyseal Dysplasia; Multiple Epiphyseal Dysplasia, Recessive; MULTIPLE EPIPHYSEAL DYSPLASIA WITH BILAYERED PATELLAE; MULTIPLE EPIPHYSEAL DYSPLASIA WITH CLUBFOOT; MULTIPLE EPIPHYSEAL DYSPLASIA, AUTOSOMAL RECESSIVE. Identifiers: Orphanet 93307, MedGen C1847593, MONDO:0009189, OMIM 226900.
Atelosteogenesis type II (AO2). Also called: NEONATAL OSSEOUS DYSPLASIA I; Neonatal osseous dysplasia 1; SLC26A2-Related Atelosteogenesis. Identifiers: Orphanet 56304, MedGen C1850554, MONDO:0009727, OMIM 256050.

Allele frequency attached by ClinVar (database versions not stated): gnomAD exomes below 0.00001; ExAC 0.00001; gnomAD 0.00003; TOPMed 0.00003.

Submissions (4):

Natera, Inc.
Classification: Likely pathogenic for Achondrogenesis type IB. Last evaluated: 2025-12-26. Review status: criteria provided, single submitter. Criteria: Natera Variant Classification Schema (03/2026). Collection method: clinical testing. Allele origin: germline.
Comment: The c.1639C>T variant in SLC26A2 is a nonsense variant predicted to introduce a stop codon at amino acid 547. This variant is expected to result in nonsense mediated decay, truncation, or a dysfunctional protein product. This variant is rare in the general population with a frequency below the threshold expected for the associated phenotype(s). Given the available evidence, this variant is classified as Likely Pathogenic.

Fulgent Genetics
Classification: Likely pathogenic for Diastrophic dysplasia; Multiple epiphyseal dysplasia type 4; Atelosteogenesis type II; Achondrogenesis, type IB. Last evaluated: 2023-12-21. Review status: criteria provided, single submitter. Criteria: ACMG Guidelines, 2015. Collection method: clinical testing. Allele origin: germline.

Baylor Genetics
Classification: Likely pathogenic for Achondrogenesis, type IB. Last evaluated: 2023-05-19. Review status: criteria provided, single submitter. Criteria: ACMG Guidelines, 2015. Collection method: clinical testing. Allele origin: unknown.

Labcorp Genetics (formerly Invitae), Labcorp
Classification: Pathogenic for Atelosteogenesis type II; Multiple epiphyseal dysplasia type 4; Achondrogenesis, type IB; Diastrophic dysplasia. Last evaluated: 2023-02-16. Review status: criteria provided, single submitter. Criteria: Invitae Variant Classification Sherloc (09022015). Collection method: clinical testing. Allele origin: germline.
Comment: This sequence change creates a premature translational stop signal (p.Gln547*) in the SLC26A2 gene. While this is not anticipated to result in nonsense mediated decay, it is expected to disrupt the last 193 amino acid(s) of the SLC26A2 protein. This variant is present in population databases (rs775143472, gnomAD 0.008%). This variant has not been reported in the literature in individuals affected with SLC26A2-related conditions. ClinVar contains an entry for this variant (Variation ID: 1458581). This variant disrupts a region of the SLC26A2 protein in which other variant(s) (p.Glu703Glyfs*9) have been determined to be pathogenic (Invitae). This suggests that this is a clinically significant region of the protein, and that variants that disrupt it are likely to be disease-causing. For these reasons, this variant has been classified as Pathogenic.